The following is an entry in ClinVar:

ClinVar aggregate classification (germline): Uncertain significance (1 of 4 stars; one submission).

Conditions:
Hereditary cancer-predisposing syndrome. Also called: Neoplastic Syndromes, Hereditary; Tumor predisposition; Hereditary neoplastic syndrome; Hereditary Cancer Syndrome. Identifiers: Orphanet 140162, MedGen C0027672, MeSH D009386, MONDO:0015356.

Submission:

Ambry Genetics
Classification: Uncertain significance for Hereditary cancer-predisposing syndrome. Last evaluated: 2026-07-06. Review status: criteria provided, single submitter. Criteria: Ambry Variant Classification Scheme 2023. Collection method: clinical testing. Allele origin: germline.
Comment: The p.H2526P variant (also known as c.7577A>C), located in coding exon 15 of the APC gene, results from an A to C substitution at nucleotide position 7577. The histidine at codon 2526 is replaced by proline, an amino acid with similar properties. This amino acid position is conserved. In addition, in silico predictors for this gene do not accurately predict pathogenicity. Based on the available evidence, the clinical significance of this variant remains unclear.

NM_000038.6(APC):c.7577A>C (p.His2526Pro)

Gene: APC (APC regulator of Wnt signaling pathway; plus strand). Cytogenetic location: 5q22.2.
Variant type: single nucleotide variant.
Coding change: c.7577A>C on transcript NM_000038.6 (MANE Select); coding-DNA position 7577, A replaced by C.
Protein change: p.His2526Pro; replaces histidine 2526 with proline.
Molecular consequence: missense variant. On other transcripts: non-coding transcript variant (2).
Genome position (GRCh38, 1-based): chr5:112,843,171, A>C. VCF-style: chr5-112843171-A-C. GRCh37 (hg19) VCF-style: chr5-112178868-A-C.
Other names: c.7577A>C, p.His2526Pro (NM_001354895.2, NM_001407450.1, NM_001127510.3); c.7631A>C, p.His2544Pro (NM_001354896.2, NM_001407447.1, NM_001407448.1 and 1 more transcripts); c.7607A>C, p.His2536Pro (NM_001354897.2); c.7502A>C, p.His2501Pro (NM_001354898.2); c.7493A>C, p.His2498Pro (NM_001354899.2); c.7454A>C, p.His2485Pro (NM_001354900.2); c.7400A>C, p.His2467Pro (NM_001354901.2, NM_001407453.1); c.7304A>C, p.His2435Pro (NM_001354902.2); and 11 more; short protein forms H2142P, H2400P, H2425P, H2485P, H2501P, H2519P, H2467P, H2243P.
Identifiers: ClinVar variation 5025019 (VCV005025019.1).
Genomic context (GRCh38, chr5:112,843,171, plus strand): 5'-AACTCCCACCTAATCTCAGTCCCACTATAGAGTATAATGATGGAAGACCAGCAAAGCGCC[A>C]TGATATTGCACGGTCTCATTCTGAAAGTCCTTCTAGACTTCCAATCAATAGGTCAGGAAC-3'
Protein context (NP_000029.2, residues 2516-2536): EYNDGRPAKR[His2526Pro]DIARSHSESP